The following is an entry in ClinVar:

ClinVar aggregate classification (germline): Uncertain significance (1 of 4 stars; one submission).

Conditions:
Rhabdoid tumor predisposition syndrome 2 (RTPS2). Identifiers: Orphanet 231108, Orphanet 69077, MedGen C2750074, MONDO:0013224, OMIM 613325.

gnomAD v4.1: 1 of 1,608,584 alleles (0.000062%); no homozygotes.

Submission:

Labcorp Genetics (formerly Invitae), Labcorp
Classification: Uncertain significance for Rhabdoid tumor predisposition syndrome 2. Last evaluated: 2025-08-30. Review status: criteria provided, single submitter. Criteria: Invitae Variant Classification Sherloc (09022015). Collection method: clinical testing. Allele origin: germline.
Comment: This sequence change replaces lysine, which is basic and polar, with asparagine, which is neutral and polar, at codon 1541 of the SMARCA4 protein (p.Lys1541Asn). This variant is present in population databases (rs770463875, gnomAD no frequency). This variant has not been reported in the literature in individuals affected with SMARCA4-related conditions. Invitae Evidence Modeling of protein sequence and biophysical properties (such as structural, functional, and spatial information, amino acid conservation, physicochemical variation, residue mobility, and thermodynamic stability) indicates that this missense variant is expected to disrupt SMARCA4 protein function with a positive predictive value of 95%. In summary, the available evidence is currently insufficient to determine the role of this variant in disease. Therefore, it has been classified as a Variant of Uncertain Significance.

NM_003072.5(SMARCA4):c.4527G>C (p.Lys1509Asn)

Gene: SMARCA4 (SWI/SNF related BAF chromatin remodeling complex subunit ATPase 4; plus strand). Cytogenetic location: 19p13.2.
Variant type: single nucleotide variant.
Coding change: c.4527G>C on transcript NM_003072.5 (MANE Select); coding-DNA position 4527, G replaced by C.
Protein change: p.Lys1509Asn; replaces lysine 1509 with asparagine.
Molecular consequence: missense variant. On other transcripts: non-coding transcript variant (1).
Genome position (GRCh38, 1-based): chr19:11,058,357, G>C. VCF-style: chr19-11058357-G-C. GRCh37 (hg19) VCF-style: chr19-11169033-G-C.
Other names: c.4527G>C, p.Lys1509Asn (NM_001128844.3); c.4437G>C, p.Lys1479Asn (NM_001128845.2); c.4434G>C, p.Lys1478Asn (NM_001128846.2); c.4428G>C, p.Lys1476Asn (NM_001128847.4, NM_001374457.1); c.4425G>C, p.Lys1475Asn (NM_001128848.2); c.4623G>C, p.Lys1541Asn (NM_001128849.3, NM_001387283.1); c.4524G>C, p.Lys1508Asn (NM_001411150.1); short protein forms K1475N, K1476N, K1478N, K1479N, K1508N, K1509N, K1541N.
Identifiers: ClinVar variation 4802588 (VCV004802588.1).